The following is an entry in ClinVar:

NM_147127.5(EVC2):c.3868del (p.Arg1290fs)

Gene: EVC2 (EvC ciliary complex subunit 2; minus strand). Cytogenetic location: 4p16.2.
Variant type: Deletion.
Coding change: c.3868del on transcript NM_147127.5 (MANE Select); coding-DNA position 3868, one base deleted (A; older notation c.3868delA).
Protein change: p.Arg1290fs; shifts the reading frame from arginine 1290.
Molecular consequence: frameshift variant.
Genome position (GRCh38, 1-based): chr4:5,562,907, T deleted on the plus strand (A on the coding strand, the reverse complement: EVC2 is on the minus strand). VCF-style (leftmost placement, unchanged base first): chr4-5562906-CT-C. GRCh37 (hg19) VCF-style: chr4-5564633-CT-C.
Other names: c.3628del, p.Arg1210fs (NM_001166136.2); short protein forms R1210fs, R1290fs.
Identifiers: ClinVar variation 4540099 (VCV004540099.1).

ClinVar aggregate classification (germline): Uncertain significance (1 of 4 stars; one submission).

Submission:

GeneDx
Classification: Uncertain significance. Last evaluated: 2025-06-23. Review status: criteria provided, single submitter. Criteria: GeneDx Variant Classification Process June 2021. Collection method: clinical testing. Allele origin: germline. Affected: yes.
Comment: Not observed at significant frequency in large population cohorts (gnomAD); Frameshift variant predicted to result in abnormal protein length as the last 19 amino acid(s) are replaced with 6 different amino acid(s); Has not been previously published as pathogenic or benign to our knowledge